The following is an entry in ClinVar:

NM_000334.4(SCN4A):c.2375T>G (p.Val792Gly)

Genes: GH-LCR (growth hormone locus control region; plus strand), SCN4A (sodium voltage-gated channel alpha subunit 4; minus strand). Cytogenetic location: 17q23.3.
Variant type: single nucleotide variant.
Coding change: c.2375T>G on transcript NM_000334.4 (MANE Select); coding-DNA position 2375, T replaced by G.
Protein change: p.Val792Gly; replaces valine 792 with glycine.
Molecular consequence: missense variant.
Genome position (GRCh38, 1-based): chr17:63,957,163, A>C on the plus strand (T>G on the coding strand, the complement: SCN4A is on the minus strand). VCF-style: chr17-63957163-A-C. GRCh37 (hg19) VCF-style: chr17-62034523-A-C.
Other names: short protein forms V792G.
Identifiers: ClinVar variation 662676 (VCV000662676.9), dbSNP rs1357236962, ClinGen allele CA400628749.

ClinVar aggregate classification (germline): Uncertain significance (1 of 4 stars; one submission).

Conditions:
Hyperkalemic periodic paralysis. Also called: Familial hyperkalemic periodic paralysis; Gamstorp disease. Identifiers: Orphanet 682, MedGen C0238357, MONDO:0008224, OMIM 170500, HP:0007215.

Submission:

Labcorp Genetics (formerly Invitae), Labcorp
Classification: Uncertain significance for Hyperkalemic periodic paralysis. Last evaluated: 2018-07-11. Review status: criteria provided, single submitter. Criteria: Invitae Variant Classification Sherloc (09022015). Collection method: clinical testing. Allele origin: germline.
Comment: In summary, the available evidence is currently insufficient to determine the role of this variant in disease. Therefore, it has been classified as a Variant of Uncertain Significance. Algorithms developed to predict the effect of missense changes on protein structure and function (SIFT, PolyPhen-2, Align-GVGD) all suggest that this variant is likely to be disruptive, but these predictions have not been confirmed by published functional studies and their clinical significance is uncertain. This variant has not been reported in the literature in individuals with SCN4A-related disease. This variant is not present in population databases (ExAC no frequency). This sequence change replaces valine with glycine at codon 792 of the SCN4A protein (p.Val792Gly). The valine residue is highly conserved and there is a moderate physicochemical difference between valine and glycine.